The following is an entry in ClinVar:

NM_001162501.2(TNRC6B):c.600G>A (p.Trp200Ter)

Gene: TNRC6B (trinucleotide repeat containing adaptor 6B; plus strand). Cytogenetic location: 22q13.1.
Variant type: single nucleotide variant.
Coding change: c.600G>A on transcript NM_001162501.2 (MANE Select); coding-DNA position 600, G replaced by A.
Protein change: p.Trp200Ter; replaces tryptophan 200 with a stop codon.
Molecular consequence: nonsense. On other transcripts: intron variant (1).
Genome position (GRCh38, 1-based): chr22:40,264,830, G>A. VCF-style: chr22-40264830-G-A. GRCh37 (hg19) VCF-style: chr22-40660834-G-A.
Other names: c.600G>A, p.Trp200Ter (NM_015088.3); c.565+2657G>A (NM_001024843.2); short protein forms W200*.
Identifiers: ClinVar variation 4536277 (VCV004536277.1).

ClinVar aggregate classification (germline): Likely pathogenic (1 of 4 stars; one submission).

Submission:

GeneDx
Classification: Likely pathogenic. Last evaluated: 2025-06-04. Review status: criteria provided, single submitter. Criteria: GeneDx Variant Classification Process June 2021. Collection method: clinical testing. Allele origin: germline. Affected: yes.
Comment: Nonsense variant predicted to result in protein truncation or nonsense mediated decay in a gene for which loss of function is a known mechanism of disease; Not observed at significant frequency in large population cohorts (gnomAD); Has not been previously published as pathogenic or benign to our knowledge